The following is an entry in ClinVar:

ClinVar aggregate classification (germline): Benign (1 of 4 stars; one submission).

gnomAD v4.1: 20,059 of 1,612,472 alleles (1.2%); highest among the groups gnomAD compares: Non-Finnish European, 1.4%; 177 homozygotes.

Submissions (42):

CeGaT Center for Human Genetics Tuebingen
Classification: Benign. Last evaluated: 2026-09-01. Review status: criteria provided, single submitter. Criteria: CeGaT Center For Human Genetics Tuebingen Variant Classification Criteria Version 2. Collection method: clinical testing. Allele origin: germline. Affected: yes. Observed: 3 variant alleles.
Comment: SLC37A3: BP4, BS1, BS2

Dr. Peter K. Rogan Lab, Western University
No classification provided (evidence only). Condition: Clear cell carcinoma of kidney. Review status: no classification provided. Collection method: in vitro. Allele origin: not applicable. Functional consequence: skipped exon. Not counted in ClinVar's aggregate classification.

Dr. Peter K. Rogan Lab, Western University
No classification provided (evidence only). Condition: Clear cell carcinoma of kidney. Review status: no classification provided. Collection method: in vitro. Allele origin: not applicable. Functional consequence: skipped exon. Not counted in ClinVar's aggregate classification.

Dr. Peter K. Rogan Lab, Western University
No classification provided (evidence only). Condition: Clear cell carcinoma of kidney. Review status: no classification provided. Collection method: in vitro. Allele origin: not applicable. Functional consequence: retained intron. Not counted in ClinVar's aggregate classification.

Dr. Peter K. Rogan Lab, Western University
No classification provided (evidence only). Condition: Clear cell carcinoma of kidney. Review status: no classification provided. Collection method: in vitro. Allele origin: not applicable. Functional consequence: skipped exon. Not counted in ClinVar's aggregate classification.

Dr. Peter K. Rogan Lab, Western University
No classification provided (evidence only). Condition: Clear cell carcinoma of kidney. Review status: no classification provided. Collection method: in vitro. Allele origin: not applicable. Functional consequence: skipped exon. Not counted in ClinVar's aggregate classification.

Dr. Peter K. Rogan Lab, Western University
No classification provided (evidence only). Condition: Clear cell carcinoma of kidney. Review status: no classification provided. Collection method: in vitro. Allele origin: not applicable. Functional consequence: skipped exon, retained intron. Not counted in ClinVar's aggregate classification.

Dr. Peter K. Rogan Lab, Western University
No classification provided (evidence only). Condition: Lung cancer. Review status: no classification provided. Collection method: in vitro. Allele origin: not applicable. Functional consequence: skipped exon. Not counted in ClinVar's aggregate classification.

Dr. Peter K. Rogan Lab, Western University
No classification provided (evidence only). Condition: Acute myeloid leukemia. Review status: no classification provided. Collection method: in vitro. Allele origin: not applicable. Functional consequence: skipped exon. Not counted in ClinVar's aggregate classification.

Dr. Peter K. Rogan Lab, Western University
No classification provided (evidence only). Condition: Colon adenocarcinoma. Review status: no classification provided. Collection method: in vitro. Allele origin: not applicable. Functional consequence: skipped exon. Not counted in ClinVar's aggregate classification.

Dr. Peter K. Rogan Lab, Western University
No classification provided (evidence only). Condition: Colon adenocarcinoma. Review status: no classification provided. Collection method: in vitro. Allele origin: not applicable. Functional consequence: skipped exon, retained intron. Not counted in ClinVar's aggregate classification.

Dr. Peter K. Rogan Lab, Western University
No classification provided (evidence only). Condition: Colorectal cancer. Review status: no classification provided. Collection method: in vitro. Allele origin: not applicable. Functional consequence: retained intron. Not counted in ClinVar's aggregate classification.

Dr. Peter K. Rogan Lab, Western University
No classification provided (evidence only). Condition: Uterine corpus endometrial carcinoma. Review status: no classification provided. Collection method: in vitro. Allele origin: not applicable. Functional consequence: skipped exon, retained intron. Not counted in ClinVar's aggregate classification.

Dr. Peter K. Rogan Lab, Western University
No classification provided (evidence only). Condition: Uterine corpus endometrial carcinoma. Review status: no classification provided. Collection method: in vitro. Allele origin: not applicable. Functional consequence: skipped exon. Not counted in ClinVar's aggregate classification.

Dr. Peter K. Rogan Lab, Western University
No classification provided (evidence only). Condition: Cervical cancer. Review status: no classification provided. Collection method: in vitro. Allele origin: not applicable. Functional consequence: skipped exon. Not counted in ClinVar's aggregate classification.

Dr. Peter K. Rogan Lab, Western University
No classification provided (evidence only). Condition: Cervical cancer. Review status: no classification provided. Collection method: in vitro. Allele origin: not applicable. Functional consequence: skipped exon. Not counted in ClinVar's aggregate classification.

Dr. Peter K. Rogan Lab, Western University
No classification provided (evidence only). Condition: Cervical cancer. Review status: no classification provided. Collection method: in vitro. Allele origin: not applicable. Functional consequence: skipped exon, retained intron. Not counted in ClinVar's aggregate classification.

Dr. Peter K. Rogan Lab, Western University
No classification provided (evidence only). Condition: Cervical cancer. Review status: no classification provided. Collection method: in vitro. Allele origin: not applicable. Functional consequence: skipped exon, retained intron. Not counted in ClinVar's aggregate classification.

Dr. Peter K. Rogan Lab, Western University
No classification provided (evidence only). Condition: Sarcoma. Review status: no classification provided. Collection method: in vitro. Allele origin: not applicable. Functional consequence: skipped exon, retained intron. Not counted in ClinVar's aggregate classification.

Dr. Peter K. Rogan Lab, Western University
No classification provided (evidence only). Condition: Sarcoma. Review status: no classification provided. Collection method: in vitro. Allele origin: not applicable. Functional consequence: skipped exon. Not counted in ClinVar's aggregate classification.

Dr. Peter K. Rogan Lab, Western University
No classification provided (evidence only). Condition: Nonpapillary renal cell carcinoma. Review status: no classification provided. Collection method: in vitro. Allele origin: not applicable. Functional consequence: skipped exon, retained intron. Not counted in ClinVar's aggregate classification.

Dr. Peter K. Rogan Lab, Western University
No classification provided (evidence only). Condition: Ovarian serous cystadenocarcinoma. Review status: no classification provided. Collection method: in vitro. Allele origin: not applicable. Functional consequence: skipped exon. Not counted in ClinVar's aggregate classification.

Dr. Peter K. Rogan Lab, Western University
No classification provided (evidence only). Condition: Ovarian serous cystadenocarcinoma. Review status: no classification provided. Collection method: in vitro. Allele origin: not applicable. Functional consequence: skipped exon. Not counted in ClinVar's aggregate classification.

Dr. Peter K. Rogan Lab, Western University
No classification provided (evidence only). Condition: Ovarian serous cystadenocarcinoma. Review status: no classification provided. Collection method: in vitro. Allele origin: not applicable. Functional consequence: skipped exon, retained intron. Not counted in ClinVar's aggregate classification.

Dr. Peter K. Rogan Lab, Western University
No classification provided (evidence only). Condition: Ovarian serous cystadenocarcinoma. Review status: no classification provided. Collection method: in vitro. Allele origin: not applicable. Functional consequence: skipped exon, retained intron. Not counted in ClinVar's aggregate classification.

Dr. Peter K. Rogan Lab, Western University
No classification provided (evidence only). Condition: Ovarian serous cystadenocarcinoma. Review status: no classification provided. Collection method: in vitro. Allele origin: not applicable. Functional consequence: skipped exon, retained intron. Not counted in ClinVar's aggregate classification.

Dr. Peter K. Rogan Lab, Western University
No classification provided (evidence only). Condition: Ovarian serous cystadenocarcinoma. Review status: no classification provided. Collection method: in vitro. Allele origin: not applicable. Functional consequence: skipped exon. Not counted in ClinVar's aggregate classification.

Dr. Peter K. Rogan Lab, Western University
No classification provided (evidence only). Condition: Ovarian serous cystadenocarcinoma. Review status: no classification provided. Collection method: in vitro. Allele origin: not applicable. Functional consequence: skipped exon. Not counted in ClinVar's aggregate classification.

Dr. Peter K. Rogan Lab, Western University
No classification provided (evidence only). Condition: Gastric cancer. Review status: no classification provided. Collection method: in vitro. Allele origin: not applicable. Functional consequence: skipped exon. Not counted in ClinVar's aggregate classification.

Dr. Peter K. Rogan Lab, Western University
No classification provided (evidence only). Condition: Gastric cancer. Review status: no classification provided. Collection method: in vitro. Allele origin: not applicable. Functional consequence: skipped exon. Not counted in ClinVar's aggregate classification.

Dr. Peter K. Rogan Lab, Western University
No classification provided (evidence only). Condition: Gastric cancer. Review status: no classification provided. Collection method: in vitro. Allele origin: not applicable. Functional consequence: skipped exon, retained intron. Not counted in ClinVar's aggregate classification.

Dr. Peter K. Rogan Lab, Western University
No classification provided (evidence only). Condition: Gastric cancer. Review status: no classification provided. Collection method: in vitro. Allele origin: not applicable. Functional consequence: skipped exon. Not counted in ClinVar's aggregate classification.

Dr. Peter K. Rogan Lab, Western University
No classification provided (evidence only). Condition: Uterine carcinosarcoma. Review status: no classification provided. Collection method: in vitro. Allele origin: not applicable. Functional consequence: skipped exon. Not counted in ClinVar's aggregate classification.

Dr. Peter K. Rogan Lab, Western University
No classification provided (evidence only). Condition: Malignant tumor of esophagus. Review status: no classification provided. Collection method: in vitro. Allele origin: not applicable. Functional consequence: skipped exon. Not counted in ClinVar's aggregate classification.

Dr. Peter K. Rogan Lab, Western University
No classification provided (evidence only). Condition: Malignant tumor of esophagus. Review status: no classification provided. Collection method: in vitro. Allele origin: not applicable. Functional consequence: skipped exon. Not counted in ClinVar's aggregate classification.

Dr. Peter K. Rogan Lab, Western University
No classification provided (evidence only). Condition: Chronic lymphocytic leukemia/small lymphocytic lymphoma. Review status: no classification provided. Collection method: in vitro. Allele origin: not applicable. Functional consequence: skipped exon. Not counted in ClinVar's aggregate classification.

Dr. Peter K. Rogan Lab, Western University
No classification provided (evidence only). Condition: Chronic lymphocytic leukemia/small lymphocytic lymphoma. Review status: no classification provided. Collection method: in vitro. Allele origin: not applicable. Functional consequence: skipped exon. Not counted in ClinVar's aggregate classification.

Dr. Peter K. Rogan Lab, Western University
No classification provided (evidence only). Condition: Nonpapillary renal cell carcinoma. Review status: no classification provided. Collection method: in vitro. Allele origin: not applicable. Functional consequence: skipped exon. Not counted in ClinVar's aggregate classification.

Dr. Peter K. Rogan Lab, Western University
No classification provided (evidence only). Condition: Nonpapillary renal cell carcinoma. Review status: no classification provided. Collection method: in vitro. Allele origin: not applicable. Functional consequence: skipped exon, retained intron. Not counted in ClinVar's aggregate classification.

Dr. Peter K. Rogan Lab, Western University
No classification provided (evidence only). Condition: Familial pancreatic carcinoma. Review status: no classification provided. Collection method: in vitro. Allele origin: not applicable. Functional consequence: skipped exon. Not counted in ClinVar's aggregate classification.

Dr. Peter K. Rogan Lab, Western University
No classification provided (evidence only). Condition: Ovarian cancer. Review status: no classification provided. Collection method: in vitro. Allele origin: not applicable. Functional consequence: skipped exon, retained intron. Not counted in ClinVar's aggregate classification.

Dr. Peter K. Rogan Lab, Western University
No classification provided (evidence only). Condition: Ovarian cancer. Review status: no classification provided. Collection method: in vitro. Allele origin: not applicable. Functional consequence: skipped exon, retained intron. Not counted in ClinVar's aggregate classification.

NM_207113.3(SLC37A3):c.1174+5G>A

Gene: SLC37A3 (solute carrier family 37 member 3; minus strand). Cytogenetic location: 7q34.
Variant type: single nucleotide variant.
Coding change: c.1174+5G>A on transcript NM_207113.3 (MANE Select); 5 bases into the intron after coding-DNA position 1174, G replaced by A.
Molecular consequence: intron variant.
Genome position (GRCh38, 1-based): chr7:140,345,211, C>T on the plus strand (G>A on the coding strand, the complement: SLC37A3 is on the minus strand). VCF-style: chr7-140345211-C-T. GRCh37 (hg19) VCF-style: chr7-140045011-C-T.
Other names: NC_000007.13:g.140045011C>T; c.931+5G>A (NM_001363375.1); c.760+3415G>A (NM_001363377.1); c.910+5G>A (NM_001363376.1); c.882+6062G>A (NM_001363378.1); c.1024+3415G>A (NM_032295.4); c.1126+658G>A (NM_001363374.1, NM_001287498.2); c.1174+5G>A (NM_001363373.1).
Identifiers: ClinVar variation 4280740 (VCV004280740.8).